The following is an entry in ClinVar:

ClinVar aggregate classification (germline): Likely benign (1 of 4 stars; one submission).

Submission:

CeGaT Center for Human Genetics Tuebingen
Classification: Likely benign. Last evaluated: 2026-03-01. Review status: criteria provided, single submitter. Criteria: CeGaT Center For Human Genetics Tuebingen Variant Classification Criteria Version 2. Collection method: clinical testing. Allele origin: germline. Affected: yes. Observed: 1 variant allele.
Comment: COASY: PM2:Supporting, BP4, BP7

NM_025233.7(COASY):c.-200A>G

Genes: COASY (Coenzyme A synthase; plus strand), LOC130060907 (ATAC-STARR-seq lymphoblastoid active region 12206; plus strand). Cytogenetic location: 17q21.2.
Variant type: single nucleotide variant.
Coding change: c.-200A>G on transcript NM_025233.7 (MANE Select); 200 bases upstream of the start codon, A replaced by G.
Molecular consequence: 5 prime UTR variant. On other transcripts: synonymous variant (1), intron variant (1).
Genome position (GRCh38, 1-based): chr17:42,562,423, A>G. VCF-style: chr17-42562423-A-G. GRCh37 (hg19) VCF-style: chr17-40714441-A-G.
Other names: c.12A>G, p.Pro4= (NM_001042532.4); c.-11-189A>G (NM_001042529.3).
Identifiers: ClinVar variation 4823533 (VCV004823533.4).
Genomic context (GRCh38, chr17:42,562,423, plus strand): 5'-CTCCCAGGATTTCGACTCAGTTCAGCGAAGTCACCGCCCCGTCTGAGAAATGAGGACACC[A>G]AGGCTTAGAGCACAGCCCCGAGGCGCCGTCTACCAGGCCCCGTCCCCTCCCCCGGCTCCT-3'